The following is an entry in ClinVar:

ClinVar aggregate classification (germline): Pathogenic (1 of 4 stars; one submission).

Conditions:
Familial cancer of breast. Also called: Hereditary breast cancer; BREAST CANCER, FAMILIAL; hereditary breast carcinoma. Identifiers: Orphanet 227535, MedGen C0346153, MONDO:0016419, OMIM 114480. Disease mechanism: loss of function.
Fanconi anemia complementation group J. Also called: BRIP1-Related Fanconi Anemia. Identifiers: Orphanet 84, MedGen C1836860, MONDO:0012187, OMIM 609054.

Submission:

Labcorp Genetics (formerly Invitae), Labcorp
Classification: Pathogenic for Familial cancer of breast; Fanconi anemia complementation group J. Last evaluated: 2022-10-13. Review status: criteria provided, single submitter. Criteria: Invitae Variant Classification Sherloc (09022015). Collection method: clinical testing. Allele origin: germline.
Comment: This sequence change creates a premature translational stop signal (p.Met100Glufs*17) in the BRIP1 gene. It is expected to result in an absent or disrupted protein product. Loss-of-function variants in BRIP1 are known to be pathogenic (PMID: 16116423, 17033622, 21964575). This variant is not present in population databases (gnomAD no frequency). This variant has not been reported in the literature in individuals affected with BRIP1-related conditions. For these reasons, this variant has been classified as Pathogenic.

Literature cited by the submitters: PubMed 16116423; PubMed 17033622; PubMed 21964575.

NM_032043.3(BRIP1):c.297_298del (p.Met100fs)

Gene: BRIP1 (BRCA1 interacting DNA helicase 1; minus strand). Cytogenetic location: 17q23.2.
Variant type: Deletion.
Coding change: c.297_298del on transcript NM_032043.3 (MANE Select); coding-DNA positions 297 to 298, 2 bases deleted (CA; older notation c.297_298delCA).
Protein change: p.Met100fs; shifts the reading frame from methionine 100.
Molecular consequence: frameshift variant.
Genome position (GRCh38, 1-based): chr17:61,857,139-61,857,140, TG deleted on the plus strand (CA on the coding strand, the reverse complement: BRIP1 is on the minus strand); deleting any 2 consecutive bases within chr17:61,857,139-61,857,141 gives the same sequence; the c. name uses the placement nearest the transcript's 3' end. VCF-style (leftmost placement, unchanged base first): chr17-61857138-ATG-A. GRCh37 (hg19) VCF-style: chr17-59934499-ATG-A.
Other names: short protein forms M100fs.
Identifiers: ClinVar variation 2107419 (VCV002107419.4), dbSNP rs2545459291, ClinGen allele CA2580094489.